The following is an entry in ClinVar:

NM_000540.3(RYR1):c.1123-3T>C

Gene: RYR1 (ryanodine receptor 1; plus strand). Cytogenetic location: 19q13.2.
Variant type: single nucleotide variant.
Coding change: c.1123-3T>C on transcript NM_000540.3 (MANE Select); 3 bases into the intron before coding-DNA position 1123, T replaced by C.
Molecular consequence: intron variant.
Genome position (GRCh38, 1-based): chr19:38,451,761, T>C. VCF-style: chr19-38451761-T-C. GRCh37 (hg19) VCF-style: chr19-38942401-T-C.
Other names: c.1123-3T>C (NM_001042723.2).
Identifiers: ClinVar variation 3387639 (VCV003387639.3).

ClinVar aggregate classification (germline): Conflicting classifications of pathogenicity. Review status: criteria provided, conflicting classifications (1 of 4 stars). 2 submissions from 2 submitters: Uncertain significance (1); Likely benign (1). Last evaluated 2024-09-23.

Conditions:
Malignant hyperthermia, susceptibility to, 1 (MHS1). Also called: Anesthesia related hyperthermia; Malignant hyperpyrexia; Fulminating hyperpyrexia; Pharmacogenic myopathy; RYR1-Related Malignant Hyperthermia Susceptibility; Malignant hyperthermia suceptibility 1. Identifiers: Orphanet 423, MedGen C2930980, MONDO:0007783, OMIM 145600.
RYR1-related disorder. Also called: RYR1-related disorders; RYR1-related condition. Identifiers: MedGen CN239331.

gnomAD v4.1: 3 of 1,614,078 alleles (0.00019%); highest among the groups gnomAD compares: Non-Finnish European, 0.00025%; no homozygotes.

Submissions (2):

All of Us Research Program, National Institutes of Health
Classification: Likely benign for Malignant hyperthermia, susceptibility to, 1. Last evaluated: 2024-09-23. Review status: criteria provided, single submitter. Criteria: ACMG Guidelines, 2015. Collection method: clinical testing. Allele origin: germline. Inheritance: Autosomal dominant inheritance. Observed: 2 variant alleles, 2 heterozygotes.
Comment: This study involves interpretation of variants in research participants for the purpose of population health screening. Participant phenotype was not available at the time of variant classification. Additional details can be found in publication PMID: 35346344, PMCID: PMC8962531

Labcorp Genetics (formerly Invitae), Labcorp
Classification: Uncertain significance for RYR1-related disorder. Last evaluated: 2024-08-14. Review status: criteria provided, single submitter. Criteria: Invitae Variant Classification Sherloc (09022015). Collection method: clinical testing. Allele origin: germline.
Comment: This sequence change falls in intron 11 of the RYR1 gene. It does not directly change the encoded amino acid sequence of the RYR1 protein. It affects a nucleotide within the consensus splice site. This variant is present in population databases (rs750718796, gnomAD 0.0009%). This variant has not been reported in the literature in individuals affected with RYR1-related conditions. Variants that disrupt the consensus splice site are a relatively common cause of aberrant splicing (PMID: 17576681, 9536098). Algorithms developed to predict the effect of sequence changes on RNA splicing suggest that this variant is not likely to affect RNA splicing. In summary, the available evidence is currently insufficient to determine the role of this variant in disease. Therefore, it has been classified as a Variant of Uncertain Significance.

Literature cited by the submitters: PubMed 17576681 (cited by Labcorp Genetics (formerly Invitae), Labcorp); PubMed 9536098 (cited by Labcorp Genetics (formerly Invitae), Labcorp).